The following is an entry in ClinVar:

NM_004606.5(TAF1):c.4136G>A (p.Arg1379His)

Gene: TAF1 (TATA-box binding protein associated factor 1; plus strand). Cytogenetic location: Xq13.1.
Variant type: single nucleotide variant.
Coding change: c.4136G>A on transcript NM_004606.5 (MANE Select); coding-DNA position 4136, G replaced by A.
Protein change: p.Arg1379His; replaces arginine 1379 with histidine.
Molecular consequence: missense variant. On other transcripts: non-coding transcript variant (9).
Genome position (GRCh38, 1-based): chrX:71,407,602, G>A. VCF-style: chrX-71407602-G-A. GRCh37 (hg19) VCF-style: chrX-70627452-G-A.
Other names: c.4136G>A, p.Arg1379His (NM_001286074.2, NM_001440852.1, NM_001440853.1); c.4073G>A, p.Arg1358His (NM_001440854.1, NM_138923.4); short protein forms R1358H, R1379H.
Identifiers: ClinVar variation 5018443 (VCV005018443.1).
Genomic context (GRCh38, chrX:71,407,602, plus strand): 5'-AGGAAGCATTCTGATTTCACATTTCTCCTTAGAGACCTCATAAGTCCATCCACCGGCGCC[G>A]CACAGACCCTATGGTGACGCTGTCGTCCATCTTGGAGTCTATCATCAATGACATGAGAGA-3'
Protein context (NP_004597.3, residues 1369-1389): NRPHKSIHRR[Arg1379His]TDPMVTLSSI

ClinVar aggregate classification (germline): Uncertain significance (1 of 4 stars; one submission).

gnomAD v4.1: 3 of 1,211,033 alleles (0.00025%); highest among the groups gnomAD compares: Non-Finnish European, 0.00034%; no homozygotes.

Submission:

GeneDx
Classification: Uncertain significance. Last evaluated: 2026-04-02. Review status: criteria provided, single submitter. Criteria: GeneDx Variant Classification Process June 2021. Collection method: clinical testing. Allele origin: germline.
Comment: Observed in a patient from a large cohort of individuals with neurodevelopmental disorders in published literature (PMID: 33004838); In silico analysis supports that this missense variant has a deleterious effect on protein structure/function; This variant is associated with the following publications: (PMID: 33004838)